The following is an entry in ClinVar:

ClinVar aggregate classification (germline): Pathogenic (1 of 4 stars; one submission).

Conditions:
Sessile serrated polyposis cancer syndrome (SSPCS). Identifiers: Orphanet 157798, MedGen C4310714, MONDO:0014919, OMIM 617108.

Submission:

Myriad Genetics, Inc.
Classification: Pathogenic for Sessile serrated polyposis cancer syndrome. Last evaluated: 2025-12-12. Review status: criteria provided, single submitter. Criteria: Myriad Autosomal Dominant, Autosomal Recessive and X-Linked Classification Criteria (2023). Collection method: clinical testing. Allele origin: unknown.
Comment: This variant is considered pathogenic. This variant creates a termination codon and is predicted to result in premature protein truncation.

NM_017763.6(RNF43):c.64C>T (p.Gln22Ter)

Gene: RNF43 (ring finger protein 43; minus strand). Cytogenetic location: 17q22.
Variant type: single nucleotide variant.
Coding change: c.64C>T on transcript NM_017763.6 (MANE Select); coding-DNA position 64, C replaced by T.
Protein change: p.Gln22Ter; replaces glutamine 22 with a stop codon.
Molecular consequence: nonsense. On other transcripts: intron variant (1).
Genome position (GRCh38, 1-based): chr17:58,415,514, G>A on the plus strand (C>T on the coding strand, the complement: RNF43 is on the minus strand). VCF-style: chr17-58415514-G-A. GRCh37 (hg19) VCF-style: chr17-56492875-G-A.
Other names: c.64C>T, p.Gln22Ter (NM_001305544.3, NM_001438820.1, NM_001438821.1 and 1 more transcripts); c.-130+1503C>T (NM_001437987.1); short protein forms Q22*.
Identifiers: ClinVar variation 4812963 (VCV004812963.1).